The following is an entry in ClinVar:

ClinVar aggregate classification (germline): Uncertain significance. Review status: criteria provided, multiple submitters, no conflicts (2 of 4 stars). 3 submissions from 3 submitters: Uncertain significance (3). Last evaluated 2024-11-05.

Allele frequency attached by ClinVar (database versions not stated): gnomAD exomes 0.00002 and 0.00009; gnomAD 0.00005; TOPMed 0.00006; ExAC 0.00010.
gnomAD v4.1: 43 of 1,611,762 alleles (0.0027%); highest among the groups gnomAD compares: Admixed American, 0.024%; no homozygotes.

Submissions (3):

Labcorp Genetics (formerly Invitae), Labcorp
Classification: Uncertain significance. Last evaluated: 2024-11-05. Review status: criteria provided, single submitter. Criteria: Invitae Variant Classification Sherloc (09022015). Collection method: clinical testing. Allele origin: germline.
Comment: This sequence change replaces arginine, which is basic and polar, with cysteine, which is neutral and slightly polar, at codon 31 of the NDUFAF1 protein (p.Arg31Cys). This variant is present in population databases (rs771572097, gnomAD 0.04%). This variant has not been reported in the literature in individuals affected with NDUFAF1-related conditions. ClinVar contains an entry for this variant (Variation ID: 1303508). Invitae Evidence Modeling of protein sequence and biophysical properties (such as structural, functional, and spatial information, amino acid conservation, physicochemical variation, residue mobility, and thermodynamic stability) indicates that this missense variant is not expected to disrupt NDUFAF1 protein function with a negative predictive value of 80%. Algorithms developed to predict the effect of sequence changes on RNA splicing suggest that this variant may disrupt the consensus splice site. In summary, the available evidence is currently insufficient to determine the role of this variant in disease. Therefore, it has been classified as a Variant of Uncertain Significance.

Ambry Genetics
Classification: Uncertain significance. Last evaluated: 2024-03-07. Review status: criteria provided, single submitter. Criteria: Ambry Variant Classification Scheme 2023. Collection method: clinical testing. Allele origin: germline.

GeneDx
Classification: Uncertain significance. Last evaluated: 2020-08-07. Review status: criteria provided, single submitter. Criteria: GeneDx Variant Classification Process June 2021. Collection method: clinical testing. Allele origin: germline. Affected: yes.
Comment: In silico analysis supports that this missense variant does not alter protein structure/function; Has not been previously published as pathogenic or benign to our knowledge

NM_016013.4(NDUFAF1):c.91C>T (p.Arg31Cys)

Gene: NDUFAF1 (NADH:ubiquinone oxidoreductase complex assembly factor 1; minus strand). Cytogenetic location: 15q15.1.
Variant type: single nucleotide variant.
Coding change: c.91C>T on transcript NM_016013.4 (MANE Select); coding-DNA position 91, C replaced by T.
Protein change: p.Arg31Cys; replaces arginine 31 with cysteine.
Molecular consequence: missense variant. On other transcripts: non-coding transcript variant (1).
Genome position (GRCh38, 1-based): chr15:41,396,969, G>A on the plus strand (C>T on the coding strand, the complement: NDUFAF1 is on the minus strand). VCF-style: chr15-41396969-G-A. GRCh37 (hg19) VCF-style: chr15-41689167-G-A.
Other names: short protein forms R31C.
Identifiers: ClinVar variation 1303508 (VCV001303508.10), dbSNP rs771572097, ClinGen allele CA7491398.